The following is an entry in ClinVar:

ClinVar aggregate classification (germline): Uncertain significance (1 of 4 stars; one submission).

gnomAD v4.1: 4 of 1,613,386 alleles (0.00025%); highest among the groups gnomAD compares: Non-Finnish European, 0.00034%; no homozygotes.

Submission:

Labcorp Genetics (formerly Invitae), Labcorp
Classification: Uncertain significance. Last evaluated: 2023-05-16. Review status: criteria provided, single submitter. Criteria: Invitae Variant Classification Sherloc (09022015). Collection method: clinical testing. Allele origin: germline.
Comment: This sequence change replaces alanine, which is neutral and non-polar, with serine, which is neutral and polar, at codon 73 of the LRRC8A protein (p.Ala73Ser). In summary, the available evidence is currently insufficient to determine the role of this variant in disease. Therefore, it has been classified as a Variant of Uncertain Significance. Algorithms developed to predict the effect of missense changes on protein structure and function output the following: SIFT: "Not Available"; PolyPhen-2: "Benign"; Align-GVGD: "Not Available". The serine amino acid residue is found in multiple mammalian species, which suggests that this missense change does not adversely affect protein function. This variant has not been reported in the literature in individuals affected with LRRC8A-related conditions. This variant is not present in population databases (gnomAD no frequency).

NM_019594.4(LRRC8A):c.217G>T (p.Ala73Ser)

Gene: LRRC8A (leucine rich repeat containing 8 VRAC subunit A; plus strand). Cytogenetic location: 9q34.11.
Variant type: single nucleotide variant.
Coding change: c.217G>T on transcript NM_019594.4 (MANE Select); coding-DNA position 217, G replaced by T.
Protein change: p.Ala73Ser; replaces alanine 73 with serine.
Molecular consequence: missense variant.
Genome position (GRCh38, 1-based): chr9:128,907,381, G>T. VCF-style: chr9-128907381-G-T. GRCh37 (hg19) VCF-style: chr9-131669660-G-T.
Other names: c.217G>T, p.Ala73Ser (NM_001127244.2, NM_001127245.2); short protein forms A73S.
Identifiers: ClinVar variation 2788242 (VCV002788242.3), dbSNP rs767569198, ClinGen allele CA375072916.